The following is an entry in ClinVar:

NM_031935.3(HMCN1):c.11342A>G (p.Tyr3781Cys)

Gene: HMCN1 (hemicentin 1; plus strand). Cytogenetic location: 1q31.1.
Variant type: single nucleotide variant.
Coding change: c.11342A>G on transcript NM_031935.3 (MANE Select); coding-DNA position 11342, A replaced by G.
Protein change: p.Tyr3781Cys; replaces tyrosine 3781 with cysteine.
Molecular consequence: missense variant.
Genome position (GRCh38, 1-based): chr1:186,114,884, A>G. VCF-style: chr1-186114884-A-G. GRCh37 (hg19) VCF-style: chr1-186084016-A-G.
Other names: short protein forms Y3781C.
Identifiers: ClinVar variation 1963938 (VCV001963938.5), dbSNP rs936436386, ClinGen allele CA33505003.

ClinVar aggregate classification (germline): Uncertain significance (1 of 4 stars; one submission).

Allele frequency attached by ClinVar (database versions not stated): TOPMed below 0.00001; gnomAD 0.00001; gnomAD exomes 0.00003.
gnomAD v4.1: 48 of 1,614,028 alleles (0.003%); highest among the groups gnomAD compares: Non-Finnish European, 0.0039%; no homozygotes.

Submission:

Labcorp Genetics (formerly Invitae), Labcorp
Classification: Uncertain significance. Last evaluated: 2022-03-14. Review status: criteria provided, single submitter. Criteria: Invitae Variant Classification Sherloc (09022015). Collection method: clinical testing. Allele origin: germline.
Comment: This variant is present in population databases (no rsID available, gnomAD 0.002%). This sequence change replaces tyrosine, which is neutral and polar, with cysteine, which is neutral and slightly polar, at codon 3781 of the HMCN1 protein (p.Tyr3781Cys). This variant has not been reported in the literature in individuals affected with HMCN1-related conditions. In summary, the available evidence is currently insufficient to determine the role of this variant in disease. Therefore, it has been classified as a Variant of Uncertain Significance. Algorithms developed to predict the effect of missense changes on protein structure and function (SIFT, PolyPhen-2, Align-GVGD) all suggest that this variant is likely to be disruptive.